The following is an entry in ClinVar:

ClinVar aggregate classification (germline): Uncertain significance (1 of 4 stars; one submission).

Conditions:
Pitt-Hopkins-like syndrome 2 (PTHSL2). Identifiers: Orphanet 221150, Orphanet 600663, MedGen C3280479, MONDO:0013690, OMIM 614325.

gnomAD v4.1: 1 of 1,601,688 alleles (0.000062%); highest among the groups gnomAD compares: Non-Finnish European, 0.000085%; no homozygotes.

Submission:

Labcorp Genetics (formerly Invitae), Labcorp
Classification: Uncertain significance for Pitt-Hopkins-like syndrome 2. Last evaluated: 2025-12-21. Review status: criteria provided, single submitter. Criteria: Invitae Variant Classification Sherloc (09022015). Collection method: clinical testing. Allele origin: germline.
Comment: This sequence change replaces alanine, which is neutral and non-polar, with valine, which is neutral and non-polar, at codon 101 of the NRXN1 protein (p.Ala101Val). This variant is not present in population databases (gnomAD no frequency). This variant has not been reported in the literature in individuals affected with NRXN1-related conditions. ClinVar contains an entry for this variant (Variation ID: 850058). An algorithm developed to predict the effect of missense changes on protein structure and function (PolyPhen-2) suggests that this variant is likely to be disruptive. In summary, the available evidence is currently insufficient to determine the role of this variant in disease. Therefore, it has been classified as a Variant of Uncertain Significance.

NM_001330078.2(NRXN1):c.302C>T (p.Ala101Val)

Gene: NRXN1 (neurexin 1; minus strand). Cytogenetic location: 2p16.3.
Variant type: single nucleotide variant.
Coding change: c.302C>T on transcript NM_001330078.2 (MANE Select); coding-DNA position 302, C replaced by T.
Protein change: p.Ala101Val; replaces alanine 101 with valine.
Molecular consequence: missense variant.
Genome position (GRCh38, 1-based): chr2:51,027,972, G>A on the plus strand (C>T on the coding strand, the complement: NRXN1 is on the minus strand). VCF-style: chr2-51027972-G-A. GRCh37 (hg19) VCF-style: chr2-51255110-G-A.
Other names: c.302C>T, p.Ala101Val (NM_001135659.3, NM_001330077.2, NM_001330079.2 and 15 more transcripts); short protein forms A101V.
Identifiers: ClinVar variation 850058 (VCV000850058.10), dbSNP rs200184823, ClinGen allele CA346824273.
Genomic context (GRCh38, chr2:51,027,972, plus strand): 5'-CGGCGGATGCGCACGCTGTGCCAGGCGCCGTCGTTAACCGGCGTGTCGGCCAGGAGCGTC[G>A]CAGGCTCAGCGCAGAAGATGGAGAAGCTGAGCTGCAGGCGGCCGCCGCGCGTCAGAATCA-3'
Protein context (NP_001317007.1, residues 91-111): LSFSIFCAEP[Ala101Val]TLLADTPVND